The following is an entry in ClinVar:

ClinVar aggregate classification (germline): Uncertain significance. Review status: criteria provided, multiple submitters, no conflicts (2 of 4 stars). 2 submissions from 2 submitters: Uncertain significance (2). Last evaluated 2023-06-02.

Conditions:
Inborn genetic diseases. Identifiers: MedGen C0950123, MeSH D030342.
Multiple congenital anomalies-hypotonia-seizures syndrome 1 (MCAHS1). Also called: PIGN-CDG; Congenital disorder of glycosylation due to PIGN deficiency; GLYCOSYLPHOSPHATIDYLINOSITOL BIOSYNTHESIS DEFECT 3. Identifiers: Orphanet 280633, MedGen C3279775, MONDO:0013563, OMIM 614080.

Allele frequency attached by ClinVar (database versions not stated): TOPMed below 0.00001; gnomAD exomes 0.00002 and 0.00003; ExAC 0.00003.
gnomAD v4.1: 23 of 1,612,350 alleles (0.0014%); highest among the groups gnomAD compares: South Asian, 0.024%; 1 homozygote.

Submissions (2):

Ambry Genetics
Classification: Uncertain significance for Inborn genetic diseases. Last evaluated: 2023-06-02. Review status: criteria provided, single submitter. Criteria: Ambry Variant Classification Scheme 2023. Collection method: clinical testing. Allele origin: germline.

Labcorp Genetics (formerly Invitae), Labcorp
Classification: Uncertain significance for Multiple congenital anomalies-hypotonia-seizures syndrome 1. Last evaluated: 2021-08-24. Review status: criteria provided, single submitter. Criteria: Invitae Variant Classification Sherloc (09022015). Collection method: clinical testing. Allele origin: germline.
Comment: This sequence change replaces serine with threonine at codon 261 of the PIGN protein (p.Ser261Thr). The serine residue is highly conserved and there is a small physicochemical difference between serine and threonine. This variant is present in population databases (rs768752806, ExAC 0.02%). This variant has not been reported in the literature in individuals affected with PIGN-related conditions. Algorithms developed to predict the effect of missense changes on protein structure and function are either unavailable or do not agree on the potential impact of this missense change (SIFT: "Deleterious"; PolyPhen-2: "Possibly Damaging"; Align-GVGD: "Class C0"). In summary, the available evidence is currently insufficient to determine the role of this variant in disease. Therefore, it has been classified as a Variant of Uncertain Significance.

NM_176787.5(PIGN):c.781T>A (p.Ser261Thr)

Gene: PIGN (phosphatidylinositol glycan anchor biosynthesis class N; minus strand). Cytogenetic location: 18q21.33.
Variant type: single nucleotide variant.
Coding change: c.781T>A on transcript NM_176787.5 (MANE Select); coding-DNA position 781, T replaced by A.
Protein change: p.Ser261Thr; replaces serine 261 with threonine.
Molecular consequence: missense variant.
Genome position (GRCh38, 1-based): chr18:62,146,995, A>T on the plus strand (T>A on the coding strand, the complement: PIGN is on the minus strand). VCF-style: chr18-62146995-A-T. GRCh37 (hg19) VCF-style: chr18-59814228-A-T.
Other names: c.781T>A, p.Ser261Thr (NM_012327.6); short protein forms S261T.
Identifiers: ClinVar variation 663368 (VCV000663368.7), dbSNP rs768752806, ClinGen allele CA8982504.